The following is an entry in ClinVar:

ClinVar aggregate classification (germline): Uncertain significance (1 of 4 stars; one submission).

Conditions:
Leigh syndrome (NULS). Also called: Leigh's necrotizing encephalopathy; Leigh's disease; Leigh Syndrome (mtDNA deletion); Leigh Disease; Subacute necrotizing encephalopathy; Necrotizing encephalopathy infantile subacute of Leigh. Identifiers: Orphanet 506, MedGen C2931891, MONDO:0009723, OMIM 256000.

Submission:

Wong Mito Lab, Molecular and Human Genetics, Baylor College of Medicine
Classification: Uncertain significance for Leigh syndrome. Last evaluated: 2019-10-17. Review status: criteria provided, single submitter. Criteria: Modified ACMG Guidelines (Unpublished). Collection method: clinical testing. Allele origin: germline.
Comment: The NC_012920.1:m.8612T>C (YP_003024031.1:p.Leu29Pro) variant in MTATP6 gene is interpretated to be a Uncertain Significance variant based on the modified ACMG guidelines (unpublished). This variant meets the following evidence codes: PP7, BP6

NC_012920.1(MT-ATP6):m.8612T>C

Gene: MT-ATP6 (mitochondrially encoded ATP synthase 6; plus strand).
Variant type: single nucleotide variant.
Genome position: chrM-8612-T-C.
Identifiers: ClinVar variation 692924 (VCV000692924.1), dbSNP rs1603221635, ClinGen allele CA414796925.